The following is an entry in ClinVar:

NM_024675.4(PALB2):c.1899A>G (p.Lys633=)

Gene: PALB2 (partner and localizer of BRCA2; minus strand). Cytogenetic location: 16p12.2.
Variant type: single nucleotide variant.
Coding change: c.1899A>G on transcript NM_024675.4 (MANE Select); coding-DNA position 1899, A replaced by G.
Protein change: p.Lys633=; no amino-acid change (lysine 633 retained).
Molecular consequence: synonymous variant.
Genome position (GRCh38, 1-based): chr16:23,630,255, T>C on the plus strand (A>G on the coding strand, the complement: PALB2 is on the minus strand). VCF-style: chr16-23630255-T-C. GRCh37 (hg19) VCF-style: chr16-23641576-T-C.
Identifiers: ClinVar variation 759325 (VCV000759325.13), dbSNP rs765063761, ClinGen allele CA7963650.

ClinVar aggregate classification (germline): Benign/Likely benign. Review status: criteria provided, multiple submitters, no conflicts (2 of 4 stars). 3 submissions from 3 submitters: Benign (1); Likely benign (2). Last evaluated 2025-05-15.

Conditions:
Hereditary cancer-predisposing syndrome. Also called: Tumor predisposition; Neoplastic Syndromes, Hereditary; Hereditary Cancer Syndrome; Hereditary neoplastic syndrome. Identifiers: Orphanet 140162, MedGen C0027672, MeSH D009386, MONDO:0015356.
Familial cancer of breast. Also called: Hereditary breast cancer; BREAST CANCER, FAMILIAL; hereditary breast carcinoma. Identifiers: Orphanet 227535, MedGen C0346153, MONDO:0016419, OMIM 114480. Disease mechanism: loss of function.

Allele frequency attached by ClinVar (database versions not stated): gnomAD exomes below 0.00001; ExAC 0.00001.
gnomAD v4.1: 2 of 1,614,108 alleles (0.00012%); highest among the groups gnomAD compares: East Asian, 0.0045%; no homozygotes.

Submissions (3):

Labcorp Genetics (formerly Invitae), Labcorp
Classification: Likely benign for Familial cancer of breast. Last evaluated: 2025-05-15. Review status: criteria provided, single submitter. Criteria: Invitae Variant Classification Sherloc (09022015). Collection method: clinical testing. Allele origin: germline.

Myriad Genetics, Inc.
Classification: Benign for Familial cancer of breast. Last evaluated: 2025-01-14. Review status: criteria provided, single submitter. Criteria: Myriad Autosomal Dominant, Autosomal Recessive and X-Linked Classification Criteria (2023). Collection method: clinical testing. Allele origin: unknown.
Comment: This variant is considered benign. This variant is a silent/synonymous amino acid change and it is not expected to impact splicing.

Ambry Genetics
Classification: Likely benign for Hereditary cancer-predisposing syndrome. Last evaluated: 2022-05-21. Review status: criteria provided, single submitter. Criteria: Ambry Variant Classification Scheme 2023. Collection method: clinical testing. Allele origin: germline.